The following is an entry in ClinVar:

ClinVar aggregate classification (germline): Uncertain significance. Review status: criteria provided, multiple submitters, no conflicts (2 of 4 stars). 2 submissions from 2 submitters: Uncertain significance (2). Last evaluated 2023-02-02.

Allele frequency attached by ClinVar (database versions not stated): gnomAD 0.00001; gnomAD exomes 0.00001.
gnomAD v4.1: 5 of 1,606,200 alleles (0.00031%); highest among the groups gnomAD compares: African/African-American, 0.0013%; no homozygotes.

Submissions (2):

Blueprint Genetics
Classification: Uncertain significance. Last evaluated: 2023-02-02. Review status: criteria provided, single submitter. Criteria: ACMG Guidelines, 2015. Collection method: clinical testing. Allele origin: germline.

Labcorp Genetics (formerly Invitae), Labcorp
Classification: Uncertain significance. Last evaluated: 2022-02-07. Review status: criteria provided, single submitter. Criteria: Invitae Variant Classification Sherloc (09022015). Collection method: clinical testing. Allele origin: germline.
Comment: The frequency data for this variant in the population databases is considered unreliable, as metrics indicate poor data quality at this position in the gnomAD database. In summary, the available evidence is currently insufficient to determine the role of this variant in disease. Therefore, it has been classified as a Variant of Uncertain Significance. Algorithms developed to predict the effect of sequence changes on RNA splicing suggest that this variant may create or strengthen a splice site. Algorithms developed to predict the effect of missense changes on protein structure and function are either unavailable or do not agree on the potential impact of this missense change (SIFT: "Deleterious"; PolyPhen-2: "Probably Damaging"; Align-GVGD: "Class C0"). This variant has not been reported in the literature in individuals affected with CWC27-related conditions. This sequence change replaces arginine, which is basic and polar, with glutamine, which is neutral and polar, at codon 450 of the CWC27 protein (p.Arg450Gln).

NM_005869.4(CWC27):c.1349G>A (p.Arg450Gln)

Gene: CWC27 (CWC27 spliceosome associated cyclophilin; plus strand). Cytogenetic location: 5q12.3.
Variant type: single nucleotide variant.
Coding change: c.1349G>A on transcript NM_005869.4 (MANE Select); coding-DNA position 1349, G replaced by A.
Protein change: p.Arg450Gln; replaces arginine 450 with glutamine.
Molecular consequence: missense variant. On other transcripts: 3 prime UTR variant (1).
Genome position (GRCh38, 1-based): chr5:65,018,251, G>A. VCF-style: chr5-65018251-G-A. GRCh37 (hg19) VCF-style: chr5-64314078-G-A.
Other names: c.*69G>A (NM_001297644.1); short protein forms R450Q.
Identifiers: ClinVar variation 1963806 (VCV001963806.4), dbSNP rs1355065474, ClinGen allele CA359961865.
Genomic context (GRCh38, chr5:65,018,251, plus strand): 5'-GCAGAAAAGTGAAAGATGCAAGCATGCAAGACTCAGATACATTTGAAATCTATGATCCTC[G>A]GAATCCAGTGAATAAAAGAAGGAGGGAAGAAAGCAAAAAGCTGATGAGAGAGAAAAAAGA-3'
Protein context (NP_005860.2, residues 440-460): DSDTFEIYDP[Arg450Gln]NPVNKRRREE